The following is an entry in ClinVar:

ClinVar aggregate classification (germline): Uncertain significance (1 of 4 stars; one submission).

Submission:

GeneDx
Classification: Uncertain significance. Last evaluated: 2022-04-15. Review status: criteria provided, single submitter. Criteria: GeneDx Variant Classification Process June 2021. Collection method: clinical testing. Allele origin: germline. Affected: yes.
Comment: Not observed at significant frequency in large population cohorts (gnomAD); In silico analysis supports that this variant does not alter splicing; Has not been previously published as pathogenic or benign to our knowledge

NM_004815.4(ARHGAP29):c.697+6T>A

Gene: ARHGAP29 (Rho GTPase activating protein 29; minus strand). Cytogenetic location: 1p22.1.
Variant type: single nucleotide variant.
Coding change: c.697+6T>A on transcript NM_004815.4 (MANE Select); 6 bases into the intron after coding-DNA position 697, T replaced by A.
Molecular consequence: intron variant.
Genome position (GRCh38, 1-based): chr1:94,205,055, A>T on the plus strand (T>A on the coding strand, the complement: ARHGAP29 is on the minus strand). VCF-style: chr1-94205055-A-T. GRCh37 (hg19) VCF-style: chr1-94670611-A-T.
Other names: c.505+6T>A (NM_001328665.2, NM_001328667.2); c.697+6T>A (NM_001328664.2, NM_001328666.2).
Identifiers: ClinVar variation 1710807 (VCV001710807.2), dbSNP rs1316363661, ClinGen allele CA2580063337.